The following is an entry in ClinVar:

NM_001448.3(GPC4):c.1447G>A (p.Asp483Asn)

Gene: GPC4 (glypican 4; minus strand). Cytogenetic location: Xq26.2.
Variant type: single nucleotide variant.
Coding change: c.1447G>A on transcript NM_001448.3 (MANE Select); coding-DNA position 1447, G replaced by A.
Protein change: p.Asp483Asn; replaces aspartic acid 483 with asparagine.
Molecular consequence: missense variant.
Genome position (GRCh38, 1-based): chrX:133,303,187, C>T on the plus strand (G>A on the coding strand, the complement: GPC4 is on the minus strand). VCF-style: chrX-133303187-C-T. GRCh37 (hg19) VCF-style: chrX-132437215-C-T.
Other names: short protein forms D483N.
Identifiers: ClinVar variation 2017445 (VCV002017445.4), dbSNP rs1245739176, ClinGen allele CA414691119.

ClinVar aggregate classification (germline): Uncertain significance (1 of 4 stars; one submission).

gnomAD v4.1: 6 of 1,211,532 alleles (0.0005%); highest among the groups gnomAD compares: Admixed American, 0.0043%; no homozygotes.

Submission:

Labcorp Genetics (formerly Invitae), Labcorp
Classification: Uncertain significance. Last evaluated: 2022-07-15. Review status: criteria provided, single submitter. Criteria: Invitae Variant Classification Sherloc (09022015). Collection method: clinical testing. Allele origin: germline.
Comment: This sequence change replaces aspartic acid, which is acidic and polar, with asparagine, which is neutral and polar, at codon 483 of the GPC4 protein (p.Asp483Asn). This variant is present in population databases (no rsID available, gnomAD 0.004%). This variant has not been reported in the literature in individuals affected with GPC4-related conditions. Algorithms developed to predict the effect of missense changes on protein structure and function are either unavailable or do not agree on the potential impact of this missense change (SIFT: "Deleterious"; PolyPhen-2: "Probably Damaging"; Align-GVGD: "Class C0"). In summary, the available evidence is currently insufficient to determine the role of this variant in disease. Therefore, it has been classified as a Variant of Uncertain Significance.